The following is an entry in ClinVar:

ClinVar aggregate classification (germline): Uncertain significance (1 of 4 stars; one submission).

Conditions:
Hypertrophic cardiomyopathy 1 (CMH1). Also called: MYH7-Related Familial Hypertrophic Cardiomyopathy; Familial hypertrophic cardiomyopathy 1. Identifiers: MedGen C3495498, MONDO:0008647, OMIM 192600.

Allele frequency attached by ClinVar (database versions not stated): gnomAD exomes below 0.00001; ExAC 0.00001.

Submission:

Labcorp Genetics (formerly Invitae), Labcorp
Classification: Uncertain significance for Hypertrophic cardiomyopathy 1. Last evaluated: 2016-11-02. Review status: criteria provided, single submitter. Criteria: Invitae Variant Classification Sherloc (09022015). Collection method: clinical testing. Allele origin: germline.
Comment: This sequence change deletes 2 nucleotides from exon 3 of the MYLK2 mRNA (c.244_245delAG), causing a frameshift at codon 82. This creates a premature translational stop signal (p.Arg82Glyfs*23) and is expected to result in an absent or disrupted protein product. This variant is present in population databases (rs751701199, ExAC 0.002%) but has not been reported in the literature in individuals with a MYLK2-related disease. Experimental studies have not been reported for this truncating variant and it is currently unknown if the last 493 amino acids of the MYLK2 protein are critical for its function. The current clinical and genetic evidence is not sufficient to establish whether loss-of-function variants in MYLK2 cause disease. Therefore, this variant has been classified as a Variant of Uncertain Significance.

NM_033118.4(MYLK2):c.244_245del (p.Arg82fs)

Gene: MYLK2 (myosin light chain kinase 2; plus strand). Cytogenetic location: 20q11.21.
Variant type: Deletion.
Coding change: c.244_245del on transcript NM_033118.4 (MANE Select); coding-DNA positions 244 to 245, 2 bases deleted (AG; older notation c.244_245delAG).
Protein change: p.Arg82fs; shifts the reading frame from arginine 82.
Molecular consequence: frameshift variant.
Genome position (GRCh38, 1-based): chr20:31,820,317-31,820,318, AG deleted. VCF-style (leftmost placement, unchanged base first): chr20-31820316-CAG-C. GRCh37 (hg19) VCF-style: chr20-30408119-CAG-C.
Other names: c.244_245delAG (NM_033118.3); short protein forms R82fs.
Identifiers: ClinVar variation 406159 (VCV000406159.8), dbSNP rs751701199, ClinGen allele CA9802870.
Genomic context (GRCh38, chr20:31,820,316, plus strand): 5'-AGGGGATGGTACCCTGGCCCAACCCTCAACTAGCAGCCAAGGCCCCAAAGGAGAGGGTGA[CAG>C]GGGCGGGGGGCCCGCGGAGGGCAGTGCTGGGCCCCCGGCAGCCCTGCCCCAGCAGACTGC-3'